The following is an entry in ClinVar:

ClinVar aggregate classification (germline): Conflicting classifications of pathogenicity. Review status: criteria provided, conflicting classifications (1 of 4 stars). 2 submissions from 2 submitters: Uncertain significance (1); Likely benign (1). Last evaluated 2025-10-13.

Conditions:
Fanconi anemia complementation group O. Also called: RAD51C-Related Fanconi Anemia. Identifiers: Orphanet 84, MedGen C3150653, MONDO:0013248, OMIM 613390.
Hereditary cancer-predisposing syndrome. Also called: Hereditary neoplastic syndrome; Neoplastic Syndromes, Hereditary; Tumor predisposition; Hereditary Cancer Syndrome. Identifiers: Orphanet 140162, MedGen C0027672, MeSH D009386, MONDO:0015356.

Allele frequency attached by ClinVar (database versions not stated): gnomAD exomes below 0.00001; gnomAD 0.00001; TOPMed 0.00001.
gnomAD v4.1: 2 of 1,614,080 alleles (0.00012%); highest among the groups gnomAD compares: African/African-American, 0.0013%; no homozygotes.

Submissions (2):

Labcorp Genetics (formerly Invitae), Labcorp
Classification: Uncertain significance for Fanconi anemia complementation group O. Last evaluated: 2025-10-13. Review status: criteria provided, single submitter. Criteria: Invitae Variant Classification Sherloc (09022015). Collection method: clinical testing. Allele origin: germline.
Comment: This sequence change replaces arginine, which is basic and polar, with histidine, which is basic and polar, at codon 7 of the RAD51C protein (p.Arg7His). This variant is not present in population databases (gnomAD no frequency). This variant has not been reported in the literature in individuals affected with RAD51C-related conditions. ClinVar contains an entry for this variant (Variation ID: 480947). An algorithm developed to predict the effect of missense changes on protein structure and function (PolyPhen-2) suggests that this variant is likely to be tolerated. In summary, the available evidence is currently insufficient to determine the role of this variant in disease. Therefore, it has been classified as a Variant of Uncertain Significance.

Ambry Genetics
Classification: Likely benign for Hereditary cancer-predisposing syndrome. Last evaluated: 2024-01-08. Review status: criteria provided, single submitter. Criteria: Ambry Variant Classification Scheme 2023. Collection method: clinical testing. Allele origin: germline.

NM_058216.3(RAD51C):c.20G>A (p.Arg7His)

Gene: RAD51C (RAD51 paralog C; plus strand). Cytogenetic location: 17q22.
Variant type: single nucleotide variant.
Coding change: c.20G>A on transcript NM_058216.3 (MANE Select); coding-DNA position 20, G replaced by A.
Protein change: p.Arg7His; replaces arginine 7 with histidine.
Molecular consequence: missense variant. On other transcripts: non-coding transcript variant (2).
Genome position (GRCh38, 1-based): chr17:58,692,663, G>A. VCF-style: chr17-58692663-G-A. GRCh37 (hg19) VCF-style: chr17-56770024-G-A.
Other names: c.20G>A, p.Arg7His (NM_002876.4); short protein forms R7H.
Identifiers: ClinVar variation 480947 (VCV000480947.13), dbSNP rs892567748, ClinGen allele CA292046832.